The following is an entry in ClinVar:

NM_000282.4(PCCA):c.716+1G>C

Gene: PCCA (propionyl-CoA carboxylase subunit alpha; plus strand). Cytogenetic location: 13q32.3.
Variant type: single nucleotide variant.
Coding change: c.716+1G>C on transcript NM_000282.4 (MANE Select); the canonical splice donor site of the intron after coding-DNA position 716, G replaced by C.
Molecular consequence: splice donor variant. On other transcripts: intron variant (3).
Genome position (GRCh38, 1-based): chr13:100,257,674, G>C. VCF-style: chr13-100257674-G-C. GRCh37 (hg19) VCF-style: chr13-100909928-G-C.
Other names: c.716+1G>C (NM_001178004.2, NM_001352605.2, NM_001352606.2 and 1 more transcripts); c.-229-5055G>C (NM_001352610.2, NM_001352611.2, NM_001352612.2); c.638+1G>C (NM_001127692.3, NM_001352607.2, NM_001352608.2).
Identifiers: ClinVar variation 2700540 (VCV002700540.3), dbSNP rs2547899930, ClinGen allele CA388694197.

ClinVar aggregate classification (germline): Likely pathogenic (1 of 4 stars; one submission).

Conditions:
Propionic acidemia (PROP). Also called: GLYCINEMIA, KETOTIC; HYPERGLYCINEMIA WITH KETOACIDOSIS AND LEUKOPENIA; KETOTIC HYPERGLYCINEMIA. Identifiers: Orphanet 35, MedGen C0268579, MONDO:0011628, OMIM 606054, HP:0003571.

Submission:

Labcorp Genetics (formerly Invitae), Labcorp
Classification: Likely pathogenic for Propionic acidemia. Last evaluated: 2023-12-02. Review status: criteria provided, single submitter. Criteria: Invitae Variant Classification Sherloc (09022015). Collection method: clinical testing. Allele origin: germline.
Comment: This sequence change affects a donor splice site in intron 9 of the PCCA gene. It is expected to disrupt RNA splicing. Variants that disrupt the donor or acceptor splice site typically lead to a loss of protein function (PMID: 16199547), and loss-of-function variants in PCCA are known to be pathogenic (PMID: 15464417). This variant is not present in population databases (gnomAD no frequency). This variant has not been reported in the literature in individuals affected with PCCA-related conditions. Algorithms developed to predict the effect of sequence changes on RNA splicing suggest that this variant may disrupt the consensus splice site. In summary, the currently available evidence indicates that the variant is pathogenic, but additional data are needed to prove that conclusively. Therefore, this variant has been classified as Likely Pathogenic.

Literature cited by the submitters: PubMed 16199547; PubMed 15464417.